The following is an entry in ClinVar:

ClinVar aggregate classification (germline): Uncertain significance (1 of 4 stars; one submission).

Conditions:
Hereditary cancer-predisposing syndrome. Also called: Neoplastic Syndromes, Hereditary; Tumor predisposition; Hereditary Cancer Syndrome; Hereditary neoplastic syndrome. Identifiers: Orphanet 140162, MedGen C0027672, MeSH D009386, MONDO:0015356.

Submission:

Ambry Genetics
Classification: Uncertain significance for Hereditary cancer-predisposing syndrome. Last evaluated: 2024-06-30. Review status: criteria provided, single submitter. Criteria: Ambry Variant Classification Scheme 2023. Collection method: clinical testing. Allele origin: germline.
Comment: The p.D785N variant (also known as c.2353G>A), located in coding exon 16 of the PDGFRA gene, results from a G to A substitution at nucleotide position 2353. The aspartic acid at codon 785 is replaced by asparagine, an amino acid with highly similar properties. This amino acid position is conserved. In addition, this alteration is predicted to be tolerated by in silico analysis. Based on the available evidence, the clinical significance of this variant remains unclear.

NM_006206.6(PDGFRA):c.2353G>A (p.Asp785Asn)

Gene: PDGFRA (platelet derived growth factor receptor alpha; plus strand). Cytogenetic location: 4q12.
Variant type: single nucleotide variant.
Coding change: c.2353G>A on transcript NM_006206.6 (MANE Select); coding-DNA position 2353, G replaced by A.
Protein change: p.Asp785Asn; replaces aspartic acid 785 with asparagine.
Molecular consequence: missense variant.
Genome position (GRCh38, 1-based): chr4:54,285,400, G>A. VCF-style: chr4-54285400-G-A. GRCh37 (hg19) VCF-style: chr4-55151567-G-A.
Other names: c.2428G>A, p.Asp810Asn (NM_001347828.2); c.2353G>A, p.Asp785Asn (NM_001347829.2); c.2392G>A, p.Asp798Asn (NM_001347830.2); short protein forms D798N, D785N, D810N.
Identifiers: ClinVar variation 3416386 (VCV003416386.1).